The following is an entry in ClinVar:

ClinVar aggregate classification (germline): Uncertain significance (1 of 4 stars; one submission).

Allele frequency attached by ClinVar (database versions not stated): gnomAD exomes 0.00001 and 0.00002; ExAC 0.00002; gnomAD 0.00007 and 0.00008; TOPMed 0.00009.
gnomAD v4.1: 19 of 1,612,914 alleles (0.0012%); highest among the groups gnomAD compares: African/African-American, 0.025%; no homozygotes.

Submission:

Labcorp Genetics (formerly Invitae), Labcorp
Classification: Uncertain significance. Last evaluated: 2024-07-31. Review status: criteria provided, single submitter. Criteria: Invitae Variant Classification Sherloc (09022015). Collection method: clinical testing. Allele origin: germline.
Comment: This sequence change replaces alanine, which is neutral and non-polar, with glutamic acid, which is acidic and polar, at codon 280 of the ANKZF1 protein (p.Ala280Glu). This variant is present in population databases (rs764115068, gnomAD 0.03%). This variant has not been reported in the literature in individuals affected with ANKZF1-related conditions. ClinVar contains an entry for this variant (Variation ID: 1410239). An algorithm developed to predict the effect of missense changes on protein structure and function (PolyPhen-2) suggests that this variant is likely to be tolerated. In summary, the available evidence is currently insufficient to determine the role of this variant in disease. Therefore, it has been classified as a Variant of Uncertain Significance.

NM_018089.3(ANKZF1):c.839C>A (p.Ala280Glu)

Gene: ANKZF1 (ankyrin repeat and zinc finger peptidyl tRNA hydrolase 1; plus strand). Cytogenetic location: 2q35.
Variant type: single nucleotide variant.
Coding change: c.839C>A on transcript NM_018089.3 (MANE Select); coding-DNA position 839, C replaced by A.
Protein change: p.Ala280Glu; replaces alanine 280 with glutamic acid.
Molecular consequence: missense variant.
Genome position (GRCh38, 1-based): chr2:219,233,734, C>A. VCF-style: chr2-219233734-C-A. GRCh37 (hg19) VCF-style: chr2-220098456-C-A.
Other names: c.839C>A, p.Ala280Glu (NM_001042410.2); c.209C>A, p.Ala70Glu (NM_001282792.2); short protein forms A280E, A70E.
Identifiers: ClinVar variation 1410239 (VCV001410239.8), dbSNP rs764115068, ClinGen allele CA2120887.
Genomic context (GRCh38, chr2:219,233,734, plus strand): 5'-GCAAGTGAAGGTATGCAGGACTGAGTTACTCTCTTCTCTAGGATGTTCGTGACCTGCTGG[C>A]AGGGCCAAGCTGGGCTAAGGCGCTGGAGGAGGCTGGTACAATACTGTTGCGTGCTCCCCG-3'
Protein context (NP_060559.2, residues 270-290): TLYKDVRDLL[Ala280Glu]GPSWAKALEE